The following is an entry in ClinVar:

NM_002291.3(LAMB1):c.2234G>A (p.Ser745Asn)

Gene: LAMB1 (laminin subunit beta 1; minus strand). Cytogenetic location: 7q31.1.
Variant type: single nucleotide variant.
Coding change: c.2234G>A on transcript NM_002291.3 (MANE Select); coding-DNA position 2234, G replaced by A.
Protein change: p.Ser745Asn; replaces serine 745 with asparagine.
Molecular consequence: missense variant.
Genome position (GRCh38, 1-based): chr7:107,960,525, C>T on the plus strand (G>A on the coding strand, the complement: LAMB1 is on the minus strand). VCF-style: chr7-107960525-C-T. GRCh37 (hg19) VCF-style: chr7-107600970-C-T.
Other names: short protein forms S745N.
Identifiers: ClinVar variation 1487466 (VCV001487466.6), dbSNP rs1584508106, ClinGen allele CA368868900.
Genomic context (GRCh38, chr7:107,960,525, plus strand): 5'-AGGGCAGAAATGCTAAAGATGATGTTTCTGCAAACATCTGTCATCGGTGTTTTCACAACG[C>T]TTCTGCTGTTCTCTAGACATCGGTATCTCTGAAAGGTTTCCCAGGCACTGTTGGTGACCA-3'
Protein context (NP_002282.2, residues 735-755): QRYRCLENSR[Ser745Asn]VVKTPMTDVC

ClinVar aggregate classification (germline): Uncertain significance (1 of 4 stars; one submission).

Allele frequency attached by ClinVar (database versions not stated): gnomAD exomes below 0.00001.
gnomAD v4.1: 4 of 1,614,222 alleles (0.00025%); highest among the groups gnomAD compares: East Asian, 0.0022%; no homozygotes.

Submission:

Labcorp Genetics (formerly Invitae), Labcorp
Classification: Uncertain significance. Last evaluated: 2025-06-09. Review status: criteria provided, single submitter. Criteria: Invitae Variant Classification Sherloc (09022015). Collection method: clinical testing. Allele origin: germline.
Comment: This sequence change replaces serine, which is neutral and polar, with asparagine, which is neutral and polar, at codon 745 of the LAMB1 protein (p.Ser745Asn). This variant is not present in population databases (gnomAD no frequency). This variant has not been reported in the literature in individuals affected with LAMB1-related conditions. ClinVar contains an entry for this variant (Variation ID: 1487466). An algorithm developed to predict the effect of missense changes on protein structure and function (PolyPhen-2) suggests that this variant is likely to be tolerated. In summary, the available evidence is currently insufficient to determine the role of this variant in disease. Therefore, it has been classified as a Variant of Uncertain Significance.